The following is an entry in ClinVar:

ClinVar aggregate classification (germline): Likely benign. Review status: criteria provided, single submitter (1 of 4 stars). 2 submissions from 2 submitters: Likely benign (1). 1 of the submissions does not count toward it. Last evaluated 2024-10-25.

Conditions:
RYR1-related disorder. Also called: RYR1-related condition; RYR1-related disorders. Identifiers: MedGen CN239331.

Submissions (2):

Blueprint Genetics
Classification: Likely benign. Last evaluated: 2024-10-25. Review status: criteria provided, single submitter. Criteria: ACMG Guidelines, 2015. Collection method: clinical testing. Allele origin: germline.

PreventionGenetics, part of Exact Sciences
Classification: Likely benign for RYR1-related condition. Last evaluated: 2019-10-23. Review status: no assertion criteria provided. Collection method: clinical testing. Allele origin: germline. Not counted in ClinVar's aggregate classification.
Comment: This variant is classified as likely benign based on ACMG/AMP sequence variant interpretation guidelines (Richards et al. 2015 PMID: 25741868, with internal and published modifications).

NM_000540.3(RYR1):c.14647-1452_14647-1451dup

Gene: RYR1 (ryanodine receptor 1; plus strand). Cytogenetic location: 19q13.2.
Variant type: Duplication.
Coding change: c.14647-1452_14647-1451dup on transcript NM_000540.3 (MANE Select); 1452 bases into the intron before coding-DNA position 14647 through 1451 bases into the intron before coding-DNA position 14647, 2 bases duplicated (AA; older notation c.14647-1452_14647-1451dupAA).
Molecular consequence: intron variant.
Genome position (GRCh38, 1-based): chr19:38,583,491-38,583,492, AA duplicated; duplicating any 2 consecutive bases within chr19:38,583,478-38,583,492 gives the same sequence; the c. name uses the placement nearest the transcript's 3' end. VCF-style (leftmost placement, unchanged base first): chr19-38583477-C-CAA. GRCh37 (hg19) VCF-style: chr19-39074117-C-CAA.
Other names: c.14632-1452_14632-1451dup (NM_001042723.2).
Identifiers: ClinVar variation 3046092 (VCV003046092.3), dbSNP rs11325385, ClinGen allele CA995741921.
Genomic context (GRCh38, chr19:38,583,477, plus strand): 5'-GCAGTGAGCCAATATTGCACCACAGCACTCCAGCCTGGGCAACAGAGCAAGACTCTGTCT[C>CAA]AAAAAAAAAAAAAAACATATGTAAAGTTGTTCCCAAATGCCAGGTAGACCATGCTCCCTC-3'